The following is an entry in ClinVar:

NM_001243197.2(IQSEC2):c.100T>C (p.Ser34Pro)

Gene: IQSEC2 (IQ motif and Sec7 domain ArfGEF 2; minus strand). Cytogenetic location: Xp11.22.
Variant type: single nucleotide variant.
Coding change: c.100T>C on transcript NM_001243197.2 (MANE Plus Clinical); coding-DNA position 100, T replaced by C.
Protein change: p.Ser34Pro; replaces serine 34 with proline.
Molecular consequence: missense variant. On other transcripts: intron variant (2).
Genome position (GRCh38, 1-based): chrX:53,279,586, A>G on the plus strand (T>C on the coding strand, the complement: IQSEC2 is on the minus strand). VCF-style: chrX-53279586-A-G. GRCh37 (hg19) VCF-style: chrX-53308768-A-G.
Other names: c.100T>C, p.Ser34Pro (NM_015075.2); c.737+12309T>C (NM_001410736.1, NM_001111125.3); short protein forms S34P.
Identifiers: ClinVar variation 2660606 (VCV002660606.24), dbSNP rs1225546260, ClinGen allele CA413174012.

ClinVar aggregate classification (germline): Uncertain significance (1 of 4 stars; one submission).

Allele frequency attached by ClinVar (database versions not stated): gnomAD exomes below 0.00001; 1000 Genomes Project 30x 0.00021.
gnomAD v4.1: 2 of 1,194,510 alleles (0.00017%); highest among the groups gnomAD compares: South Asian, 0.0018%; no homozygotes.

Submission:

CeGaT Center for Human Genetics Tuebingen
Classification: Uncertain significance. Last evaluated: 2023-07-01. Review status: criteria provided, single submitter. Criteria: CeGaT Center For Human Genetics Tuebingen Variant Classification Criteria Version 2. Collection method: clinical testing. Allele origin: germline. Affected: yes. Observed: 1 variant allele.
Comment: IQSEC2: PP2, BP4